The following is an entry in ClinVar:

ClinVar aggregate classification (germline): Uncertain significance (1 of 4 stars; one submission).

Conditions:
Megaconial type congenital muscular dystrophy (MDCMC). Also called: MUSCULAR DYSTROPHY, CONGENITAL, WITH MITOCHONDRIAL STRUCTURAL ABNORMALITIES; CHKB-Related Muscle Diseases; CHKB-Related Muscular Dystrophy. Identifiers: Orphanet 280671, MedGen C1865233, MONDO:0011246, OMIM 602541.

Submission:

Labcorp Genetics (formerly Invitae), Labcorp
Classification: Uncertain significance for Megaconial type congenital muscular dystrophy. Last evaluated: 2024-01-19. Review status: criteria provided, single submitter. Criteria: Invitae Variant Classification Sherloc (09022015). Collection method: clinical testing. Allele origin: germline.
Comment: This sequence change replaces leucine, which is neutral and non-polar, with valine, which is neutral and non-polar, at codon 82 of the CHKB protein (p.Leu82Val). This variant is not present in population databases (gnomAD no frequency). This variant has not been reported in the literature in individuals affected with CHKB-related conditions. ClinVar contains an entry for this variant (Variation ID: 1363762). Advanced modeling of protein sequence and biophysical properties (such as structural, functional, and spatial information, amino acid conservation, physicochemical variation, residue mobility, and thermodynamic stability) performed at Invitae indicates that this missense variant is not expected to disrupt CHKB protein function with a negative predictive value of 80%. In summary, the available evidence is currently insufficient to determine the role of this variant in disease. Therefore, it has been classified as a Variant of Uncertain Significance.

NM_005198.5(CHKB):c.244C>G (p.Leu82Val)

Genes: CHKB (choline kinase beta; minus strand), CHKB-CPT1B (CHKB-CPT1B readthrough (NMD candidate); minus strand). Cytogenetic location: 22q13.33.
Variant type: single nucleotide variant.
Coding change: c.244C>G on transcript NM_005198.5 (MANE Select); coding-DNA position 244, C replaced by G.
Protein change: p.Leu82Val; replaces leucine 82 with valine.
Molecular consequence: missense variant. On other transcripts: non-coding transcript variant (1).
Genome position (GRCh38, 1-based): chr22:50,582,338, G>C on the plus strand (C>G on the coding strand, the complement: CHKB is on the minus strand). VCF-style: chr22-50582338-G-C. GRCh37 (hg19) VCF-style: chr22-51020767-G-C.
Other names: short protein forms L82V.
Identifiers: ClinVar variation 1363762 (VCV001363762.8), dbSNP rs1329658058, ClinGen allele CA412202630.
Genomic context (GRCh38, chr22:50,582,338, plus strand): 5'-GCACCTCCCGGGGCTCCTCGCCAACGCTGGGCAGGTGGTCCGGGAGCGAGCAGCGGAAGA[G>C]CAGGTTGCTGAGGCCTCCGCTGCAGACCCACACCAGGCGCGCTCAGCCCGCGGCCGGCCC-3'
Protein context (NP_005189.2, residues 72-92): YPVSGGLSNL[Leu82Val]FRCSLPDHLP